The following is an entry in ClinVar:

ClinVar aggregate classification (germline): Benign/Likely benign. Review status: criteria provided, multiple submitters, no conflicts (2 of 4 stars). 3 submissions from 3 submitters: Benign (1); Likely benign (2). Last evaluated 2025-07-17.

Conditions:
Hereditary cancer-predisposing syndrome. Also called: Tumor predisposition; Hereditary Cancer Syndrome; Neoplastic Syndromes, Hereditary; Hereditary neoplastic syndrome. Identifiers: Orphanet 140162, MedGen C0027672, MeSH D009386, MONDO:0015356.
Familial adenomatous polyposis 1 (FAP1). Also called: FAMILIAL ADENOMATOUS POLYPOSIS 1, ATTENUATED; POLYPOSIS, ADENOMATOUS INTESTINAL. Identifiers: MedGen C2713442, MONDO:0021056, OMIM 175100. Disease mechanism: loss of function.

Submissions (3):

Labcorp Genetics (formerly Invitae), Labcorp
Classification: Likely benign for Familial adenomatous polyposis 1. Last evaluated: 2025-07-17. Review status: criteria provided, single submitter. Criteria: Invitae Variant Classification Sherloc (09022015). Collection method: clinical testing. Allele origin: germline.

Myriad Genetics, Inc.
Classification: Benign for Familial adenomatous polyposis 1. Last evaluated: 2024-03-15. Review status: criteria provided, single submitter. Criteria: Myriad Autosomal Dominant, Autosomal Recessive and X-Linked Classification Criteria (2023). Collection method: clinical testing. Allele origin: unknown.
Comment: This variant is considered benign. This variant is a silent/synonymous amino acid change and it is not expected to impact splicing.

Ambry Genetics
Classification: Likely benign for Hereditary cancer-predisposing syndrome. Last evaluated: 2021-10-08. Review status: criteria provided, single submitter. Criteria: Ambry Variant Classification Scheme 2023. Collection method: clinical testing. Allele origin: germline.

NM_000038.6(APC):c.2868C>T (p.Tyr956=)

Gene: APC (APC regulator of Wnt signaling pathway; plus strand). Cytogenetic location: 5q22.2.
Variant type: single nucleotide variant.
Coding change: c.2868C>T on transcript NM_000038.6 (MANE Select); coding-DNA position 2868, C replaced by T.
Protein change: p.Tyr956=; no amino-acid change (tyrosine 956 retained).
Molecular consequence: synonymous variant. On other transcripts: non-coding transcript variant (2).
Genome position (GRCh38, 1-based): chr5:112,838,462, C>T. VCF-style: chr5-112838462-C-T. GRCh37 (hg19) VCF-style: chr5-112174159-C-T.
Other names: c.2868C>T, p.Tyr956= (NM_001127510.3, NM_001354895.2, NM_001407450.1); c.2814C>T, p.Tyr938= (NM_001127511.3); c.2922C>T, p.Tyr974= (NM_001354896.2, NM_001407447.1, NM_001407448.1 and 1 more transcripts); c.2898C>T, p.Tyr966= (NM_001354897.2); c.2793C>T, p.Tyr931= (NM_001354898.2); c.2784C>T, p.Tyr928= (NM_001354899.2); c.2745C>T, p.Tyr915= (NM_001354900.2); c.2691C>T, p.Tyr897= (NM_001354901.2, NM_001407453.1); and 11 more.
Identifiers: ClinVar variation 1797013 (VCV001797013.5), dbSNP rs2149879114, ClinGen allele CA445963042.